The following is an entry in ClinVar:

NM_032043.3(BRIP1):c.3023T>A (p.Leu1008Ter)

Gene: BRIP1 (BRCA1 interacting DNA helicase 1; minus strand). Cytogenetic location: 17q23.2.
Variant type: single nucleotide variant.
Coding change: c.3023T>A on transcript NM_032043.3 (MANE Select); coding-DNA position 3023, T replaced by A.
Protein change: p.Leu1008Ter; replaces leucine 1008 with a stop codon.
Molecular consequence: nonsense.
Genome position (GRCh38, 1-based): chr17:61,684,023, A>T on the plus strand (T>A on the coding strand, the complement: BRIP1 is on the minus strand). VCF-style: chr17-61684023-A-T. GRCh37 (hg19) VCF-style: chr17-59761384-A-T.
Other names: short protein forms L1008*.
Identifiers: ClinVar variation 4787633 (VCV004787633.1).

ClinVar aggregate classification (germline): Uncertain significance (1 of 4 stars; one submission).

Conditions:
Fanconi anemia complementation group J. Also called: BRIP1-Related Fanconi Anemia. Identifiers: Orphanet 84, MedGen C1836860, MONDO:0012187, OMIM 609054.
Familial cancer of breast. Also called: BREAST CANCER, FAMILIAL; Hereditary breast cancer; hereditary breast carcinoma. Identifiers: Orphanet 227535, MedGen C0346153, MONDO:0016419, OMIM 114480. Disease mechanism: loss of function.

Submission:

Labcorp Genetics (formerly Invitae), Labcorp
Classification: Uncertain significance for Familial cancer of breast; Fanconi anemia complementation group J. Last evaluated: 2025-07-15. Review status: criteria provided, single submitter. Criteria: Invitae Variant Classification Sherloc (09022015). Collection method: clinical testing. Allele origin: germline.
Comment: This sequence change creates a premature translational stop signal (p.Leu1008*) in the BRIP1 gene. While this is not anticipated to result in nonsense mediated decay, it is expected to disrupt the last 242 amino acid(s) of the BRIP1 protein. This variant is not present in population databases (gnomAD no frequency). This variant has not been reported in the literature in individuals affected with BRIP1-related conditions. Algorithms developed to predict the effect of sequence changes on RNA splicing suggest that this variant may disrupt the consensus splice site. In summary, the available evidence is currently insufficient to determine the role of this variant in disease. Therefore, it has been classified as a Variant of Uncertain Significance.